The following is an entry in ClinVar:

ClinVar aggregate classification (germline): Uncertain significance (1 of 4 stars; one submission).

Allele frequency attached by ClinVar (database versions not stated): gnomAD exomes below 0.00001; gnomAD 0.00001; TOPMed 0.00001.
gnomAD v4.1: 3 of 1,614,100 alleles (0.00019%); highest among the groups gnomAD compares: East Asian, 0.0022%; no homozygotes.

Submission:

Ambry Genetics
Classification: Uncertain significance. Last evaluated: 2024-01-14. Review status: criteria provided, single submitter. Criteria: Ambry Variant Classification Scheme 2023. Collection method: clinical testing. Allele origin: germline.
Comment: The p.H246R variant (also known as c.737A>G), located in coding exon 4 of the GALNT12 gene, results from an A to G substitution at nucleotide position 737. The histidine at codon 246 is replaced by arginine, an amino acid with highly similar properties. This amino acid position is conserved. In addition, this alteration is predicted to be tolerated by in silico analysis. Since supporting evidence is limited at this time, the clinical significance of this alteration remains unclear.

NM_024642.5(GALNT12):c.737A>G (p.His246Arg)

Gene: GALNT12 (polypeptide N-acetylgalactosaminyltransferase 12; plus strand). Cytogenetic location: 9q22.33.
Variant type: single nucleotide variant.
Coding change: c.737A>G on transcript NM_024642.5 (MANE Select); coding-DNA position 737, A replaced by G.
Protein change: p.His246Arg; replaces histidine 246 with arginine.
Molecular consequence: missense variant.
Genome position (GRCh38, 1-based): chr9:98,831,777, A>G. VCF-style: chr9-98831777-A-G. GRCh37 (hg19) VCF-style: chr9-101594059-A-G.
Other names: short protein forms H246R.
Identifiers: ClinVar variation 1758599 (VCV001758599.2), dbSNP rs1284185739, ClinGen allele CA374217896.